The following is an entry in ClinVar:

NM_004933.3(CDH15):c.1383G>A (p.Gln461=)

Gene: CDH15 (cadherin 15; plus strand). Cytogenetic location: 16q24.3.
Variant type: single nucleotide variant.
Coding change: c.1383G>A on transcript NM_004933.3 (MANE Select); coding-DNA position 1383, G replaced by A.
Protein change: p.Gln461=; no amino-acid change (glutamine 461 retained).
Molecular consequence: synonymous variant.
Genome position (GRCh38, 1-based): chr16:89,191,662, G>A. VCF-style: chr16-89191662-G-A. GRCh37 (hg19) VCF-style: chr16-89258070-G-A.
Identifiers: ClinVar variation 1879348 (VCV001879348.29), dbSNP rs781588937, ClinGen allele CA8239291.

ClinVar aggregate classification (germline): Likely benign (1 of 4 stars; one submission).

Allele frequency attached by ClinVar (database versions not stated): TOPMed 0.00003; ExAC 0.00004; gnomAD 0.00005; gnomAD exomes 0.00010.
gnomAD v4.1: 151 of 1,588,624 alleles (0.0095%); highest among the groups gnomAD compares: Non-Finnish European, 0.012%; 1 homozygote.

Submission:

CeGaT Center for Human Genetics Tuebingen
Classification: Likely benign. Last evaluated: 2022-12-01. Review status: criteria provided, single submitter. Criteria: CeGaT Center For Human Genetics Tuebingen Variant Classification Criteria Version 2. Collection method: clinical testing. Allele origin: germline. Affected: yes. Observed: 1 variant allele.
Comment: CDH15: BP4, BP7